The following is an entry in ClinVar:

NM_001330078.2(NRXN1):c.578A>G (p.Gln193Arg)

Gene: NRXN1 (neurexin 1; minus strand). Cytogenetic location: 2p16.3.
Variant type: single nucleotide variant.
Coding change: c.578A>G on transcript NM_001330078.2 (MANE Select); coding-DNA position 578, A replaced by G.
Protein change: p.Gln193Arg; replaces glutamine 193 with arginine.
Molecular consequence: missense variant.
Genome position (GRCh38, 1-based): chr2:51,027,696, T>C on the plus strand (A>G on the coding strand, the complement: NRXN1 is on the minus strand). VCF-style: chr2-51027696-T-C. GRCh37 (hg19) VCF-style: chr2-51254834-T-C.
Other names: c.578A>G, p.Gln193Arg (NM_001135659.3, NM_001330077.2, NM_001330079.2 and 15 more transcripts); short protein forms Q193R.
Identifiers: ClinVar variation 2059010 (VCV002059010.4), dbSNP rs780093261, ClinGen allele CA1655455.

ClinVar aggregate classification (germline): Uncertain significance (1 of 4 stars; one submission).

Conditions:
Pitt-Hopkins-like syndrome 2 (PTHSL2). Identifiers: Orphanet 221150, Orphanet 600663, MedGen C3280479, MONDO:0013690, OMIM 614325.

Allele frequency attached by ClinVar (database versions not stated): gnomAD exomes below 0.00001; TOPMed below 0.00001; ExAC 0.00001.
gnomAD v4.1: 1 of 1,605,832 alleles (0.000062%); no homozygotes.

Submission:

Labcorp Genetics (formerly Invitae), Labcorp
Classification: Uncertain significance for Pitt-Hopkins-like syndrome 2. Last evaluated: 2022-08-05. Review status: criteria provided, single submitter. Criteria: Invitae Variant Classification Sherloc (09022015). Collection method: clinical testing. Allele origin: germline.
Comment: In summary, the available evidence is currently insufficient to determine the role of this variant in disease. Therefore, it has been classified as a Variant of Uncertain Significance. Algorithms developed to predict the effect of missense changes on protein structure and function output the following: SIFT: "Deleterious"; PolyPhen-2: "Benign"; Align-GVGD: "Class C0". The arginine amino acid residue is found in multiple mammalian species, which suggests that this missense change does not adversely affect protein function. This variant has not been reported in the literature in individuals affected with NRXN1-related conditions. The frequency data for this variant in the population databases is considered unreliable, as metrics indicate poor data quality at this position in the gnomAD database. This sequence change replaces glutamine, which is neutral and polar, with arginine, which is basic and polar, at codon 193 of the NRXN1 protein (p.Gln193Arg).